The following is an entry in ClinVar:

ClinVar aggregate classification (germline): Uncertain significance. Review status: criteria provided, multiple submitters, no conflicts (2 of 4 stars). 2 submissions from 2 submitters: Uncertain significance (2). Last evaluated 2025-07-17.

Conditions:
Hereditary cancer-predisposing syndrome. Also called: Tumor predisposition; Hereditary neoplastic syndrome; Neoplastic Syndromes, Hereditary; Hereditary Cancer Syndrome. Identifiers: Orphanet 140162, MedGen C0027672, MeSH D009386, MONDO:0015356.
Pheochromocytoma. Also called: MAX-Related Hereditary Paraganglioma-Pheochromocytoma Syndrome. Identifiers: Orphanet 29072, MedGen C0031511, MONDO:0008233, OMIM 171300, HP:0002666.
Cowden syndrome 3 (CWS3). Identifiers: Orphanet 201, MedGen CN166604, MONDO:0014045.
Paragangliomas with sensorineural hearing loss. Identifiers: MedGen C1868633.
Carney-Stratakis syndrome. Also called: PARAGANGLIOMA AND GASTROINTESTINAL STROMAL TUMOR. Identifiers: Orphanet 97286, MedGen C1847319, MONDO:0011740, OMIM 606864.

Submissions (2):

Labcorp Genetics (formerly Invitae), Labcorp
Classification: Uncertain significance for Carney-Stratakis syndrome; Paragangliomas with sensorineural hearing loss; Pheochromocytoma; Cowden syndrome 3. Last evaluated: 2025-07-17. Review status: criteria provided, single submitter. Criteria: Invitae Variant Classification Sherloc (09022015). Collection method: clinical testing. Allele origin: germline.
Comment: This sequence change replaces methionine, which is neutral and non-polar, with leucine, which is neutral and non-polar, at codon 91 of the SDHD protein (p.Met91Leu). This variant is not present in population databases (gnomAD no frequency). This variant has not been reported in the literature in individuals affected with SDHD-related conditions. ClinVar contains an entry for this variant (Variation ID: 1499426). Invitae Evidence Modeling of protein sequence and biophysical properties (such as structural, functional, and spatial information, amino acid conservation, physicochemical variation, residue mobility, and thermodynamic stability) indicates that this missense variant is not expected to disrupt SDHD protein function with a negative predictive value of 95%. In summary, the available evidence is currently insufficient to determine the role of this variant in disease. Therefore, it has been classified as a Variant of Uncertain Significance.

Ambry Genetics
Classification: Uncertain significance for Hereditary cancer-predisposing syndrome. Last evaluated: 2023-07-12. Review status: criteria provided, single submitter. Criteria: Ambry Variant Classification Scheme 2023. Collection method: clinical testing. Allele origin: germline.
Comment: The p.M91L variant (also known as c.271A>T), located in coding exon 3 of the SDHD gene, results from an A to T substitution at nucleotide position 271. The methionine at codon 91 is replaced by leucine, an amino acid with highly similar properties. This amino acid position is conserved. In addition, the in silico prediction for this alteration is inconclusive. Since supporting evidence is limited at this time, the clinical significance of this alteration remains unclear.

NM_003002.4(SDHD):c.271A>T (p.Met91Leu)

Gene: SDHD (succinate dehydrogenase complex subunit D; plus strand). Cytogenetic location: 11q23.1.
Variant type: single nucleotide variant.
Coding change: c.271A>T on transcript NM_003002.4 (MANE Select); coding-DNA position 271, A replaced by T.
Protein change: p.Met91Leu; replaces methionine 91 with leucine.
Molecular consequence: missense variant. On other transcripts: non-coding transcript variant (1), intron variant (1).
Genome position (GRCh38, 1-based): chr11:112,088,968, A>T. VCF-style: chr11-112088968-A-T. GRCh37 (hg19) VCF-style: chr11-111959692-A-T.
Other names: c.154A>T, p.Met52Leu (NM_001276504.2); c.271A>T, p.Met91Leu (NM_001276506.2); c.169+995A>T (NM_001276503.2); c.271A>T (NM_003002.2); short protein forms M91L, M52L.
Identifiers: ClinVar variation 1499426 (VCV001499426.8), dbSNP rs2135269615, ClinGen allele CA382617352.
Genomic context (GRCh38, chr11:112,088,968, plus strand): 5'-GTTGTCAGTGTTTTGCTCCTGGGTCTGCTTCCGGCTGCTTATTTGAATCCTTGCTCTGCG[A>T]TGGACTATTCCCTGGCTGCAGCCCTCACTCTTCATGGTCACTGGCAAGTATAGCAATTCC-3'
Protein context (NP_002993.1, residues 81-101): PAAYLNPCSA[Met91Leu]DYSLAAALTL